The following is an entry in ClinVar:

NM_001378454.1(ALMS1):c.11861A>C (p.Asn3954Thr)

Gene: ALMS1 (ALMS1 centrosome and basal body associated protein; plus strand). Cytogenetic location: 2p13.1.
Variant type: single nucleotide variant.
Coding change: c.11861A>C on transcript NM_001378454.1 (MANE Select); coding-DNA position 11861, A replaced by C.
Protein change: p.Asn3954Thr; replaces asparagine 3954 with threonine.
Molecular consequence: missense variant.
Genome position (GRCh38, 1-based): chr2:73,600,870, A>C. VCF-style: chr2-73600870-A-C. GRCh37 (hg19) VCF-style: chr2-73827997-A-C.
Other names: c.11864A>C, p.Asn3955Thr (NM_015120.4); short protein forms N3954T, N3955T.
Identifiers: ClinVar variation 3347286 (VCV003347286.1).
Genomic context (GRCh38, chr2:73,600,870, plus strand): 5'-AAGAGAAAATGCTCTTTACCGGTTATCCTGAGGACAGAAAGTTAAAAAAGAACAAGAAGA[A>C]TTCCCATGAAGGTCAGTTTCTCATTCCAGATCTTGTAGTAGAGAAACTAGTGAATTTCAA-3'
Protein context (NP_001365383.1, residues 3944-3964): EDRKLKKNKK[Asn3954Thr]SHEGVSWFVP

ClinVar aggregate classification (germline): Uncertain significance (0 of 4 stars; one submission).

Conditions:
ALMS1-related disorder. Also called: ALMS1-related condition.

Submission:

PreventionGenetics, part of Exact Sciences
Classification: Uncertain significance for ALMS1-related condition. Last evaluated: 2024-04-02. Review status: no assertion criteria provided. Collection method: clinical testing. Allele origin: germline.
Comment: The ALMS1 c.11864A>C variant is predicted to result in the amino acid substitution p.His3955Pro. To our knowledge, this variant has not been reported in the literature or in a large population database, indicating this variant is rare. At this time, the clinical significance of this variant is uncertain due to the absence of conclusive functional and genetic evidence.